The following is an entry in ClinVar:

NM_000179.3(MSH6):c.3523A>G (p.Thr1175Ala)

Gene: MSH6 (mutS homolog 6; plus strand). Cytogenetic location: 2p16.3.
Variant type: single nucleotide variant.
Coding change: c.3523A>G on transcript NM_000179.3 (MANE Select); coding-DNA position 3523, A replaced by G.
Protein change: p.Thr1175Ala; replaces threonine 1175 with alanine.
Molecular consequence: missense variant.
Genome position (GRCh38, 1-based): chr2:47,804,994, A>G. VCF-style: chr2-47804994-A-G. GRCh37 (hg19) VCF-style: chr2-48032133-A-G.
Other names: c.3226A>G, p.Thr1076Ala (NM_001406822.1, NM_001406824.1, NM_001406825.1 and 10 more transcripts); c.2617A>G, p.Thr873Ala (NM_001406823.1, NM_001406829.1, NM_001281493.2 and 6 more transcripts); c.3355A>G, p.Thr1119Ala (NM_001406826.1); c.304A>G, p.Thr102Ala (NM_001406831.1); c.370A>G, p.Thr124Ala (NM_001406832.1); c.1468A>G, p.Thr490Ala (NM_001407362.1); c.3133A>G, p.Thr1045Ala (NM_001281492.2); c.3619A>G, p.Thr1207Ala (NM_001406795.1, NM_001406802.1); and 7 more; short protein forms T1000A, T1149A, T1177A, T124A, T1076A, T1119A, T1175A, T887A.
Identifiers: ClinVar variation 1732286 (VCV001732286.5), dbSNP rs2104508644, ClinGen allele CA346760218.

ClinVar aggregate classification (germline): Uncertain significance. Review status: criteria provided, multiple submitters, no conflicts (2 of 4 stars). 3 submissions from 3 submitters: Uncertain significance (3). Last evaluated 2025-06-11.

Conditions:
Hereditary nonpolyposis colorectal neoplasms. Identifiers: MedGen C0009405, MeSH D003123.
Lynch syndrome. Identifiers: Orphanet 144, MedGen C4552100, MONDO:0005835. Disease mechanism: loss of function.
Hereditary cancer-predisposing syndrome. Also called: Neoplastic Syndromes, Hereditary; Tumor predisposition; Hereditary Cancer Syndrome; Hereditary neoplastic syndrome. Identifiers: Orphanet 140162, MedGen C0027672, MeSH D009386, MONDO:0015356.

Allele frequency attached by ClinVar (database versions not stated): gnomAD exomes below 0.00001.
gnomAD v4.1: 1 of 1,613,994 alleles (0.000062%); highest among the groups gnomAD compares: East Asian, 0.0022%; no homozygotes.

Submissions (3):

Labcorp Genetics (formerly Invitae), Labcorp
Classification: Uncertain significance for Hereditary nonpolyposis colorectal neoplasms. Last evaluated: 2025-06-11. Review status: criteria provided, single submitter. Criteria: Invitae Variant Classification Sherloc (09022015). Collection method: clinical testing. Allele origin: germline.
Comment: This sequence change replaces threonine, which is neutral and polar, with alanine, which is neutral and non-polar, at codon 1175 of the MSH6 protein (p.Thr1175Ala). This variant is not present in population databases (gnomAD no frequency). This variant has not been reported in the literature in individuals affected with MSH6-related conditions. ClinVar contains an entry for this variant (Variation ID: 1732286). Invitae Evidence Modeling of protein sequence and biophysical properties (such as structural, functional, and spatial information, amino acid conservation, physicochemical variation, residue mobility, and thermodynamic stability) has been performed for this missense variant. However, the output from this modeling did not meet the statistical confidence thresholds required to predict the impact of this variant on MSH6 protein function. In summary, the available evidence is currently insufficient to determine the role of this variant in disease. Therefore, it has been classified as a Variant of Uncertain Significance.

Ambry Genetics
Classification: Uncertain significance for Hereditary cancer-predisposing syndrome. Last evaluated: 2025-01-16. Review status: criteria provided, single submitter. Criteria: Ambry Variant Classification Scheme 2023. Collection method: clinical testing. Allele origin: germline.
Comment: The p.T1175A variant (also known as c.3523A>G), located in coding exon 6 of the MSH6 gene, results from an A to G substitution at nucleotide position 3523. The threonine at codon 1175 is replaced by alanine, an amino acid with similar properties. This amino acid position is highly conserved in available vertebrate species. In addition, this alteration is predicted to be deleterious by in silico analysis. Based on the available evidence, the clinical significance of this variant remains unclear.

All of Us Research Program, National Institutes of Health
Classification: Uncertain significance for Lynch syndrome. Last evaluated: 2023-08-15. Review status: criteria provided, single submitter. Criteria: ACMG Guidelines, 2015. Collection method: clinical testing. Allele origin: germline. Inheritance: Autosomal dominant inheritance. Observed: 1 variant allele, 1 heterozygote.
Comment: This missense variant replaces threonine with alanine at codon 1175 of the MSH6 protein. Computational prediction suggests that this variant may have deleterious impact on protein structure and function (internally defined REVEL score threshold >= 0.7, PMID: 27666373). To our knowledge, functional studies have not been reported for this variant. This variant has not been reported in individuals affected with MSH6-related disorders in the literature. This variant has not been identified in the general population by the Genome Aggregation Database (gnomAD). The available evidence is insufficient to determine the role of this variant in disease conclusively. Therefore, this variant is classified as a Variant of Uncertain Significance.

This study involves interpretation of variants in research participants for the purpose of population health screening. Participant phenotype was not available at the time of variant classification. Additional details can be found in publication PMID: 35346344, PMCID: PMC8962531